The following is an entry in ClinVar:

NM_001001998.3(EXOSC10):c.2157+7G>A

Gene: EXOSC10 (exosome component 10; minus strand). Cytogenetic location: 1p36.22.
Variant type: single nucleotide variant.
Coding change: c.2157+7G>A on transcript NM_001001998.3 (MANE Select); 7 bases into the intron after coding-DNA position 2157, G replaced by A.
Molecular consequence: intron variant.
Genome position (GRCh38, 1-based): chr1:11,073,927, C>T on the plus strand (G>A on the coding strand, the complement: EXOSC10 is on the minus strand). VCF-style: chr1-11073927-C-T. GRCh37 (hg19) VCF-style: chr1-11133984-C-T.
Other names: c.2082+304G>A (NM_002685.4).
Identifiers: ClinVar variation 3024718 (VCV003024718.22), dbSNP rs145888478, ClinGen allele CA587872.

ClinVar aggregate classification (germline): Likely benign (1 of 4 stars; one submission).

Allele frequency attached by ClinVar (database versions not stated): 1000 Genomes Project 0.00140; 1000 Genomes Project 30x 0.00156; ExAC 0.00276; ESP Exome Variant Server 0.00277; gnomAD 0.00292; TOPMed 0.00305; gnomAD exomes 0.00543.
gnomAD v4.1: 7,332 of 1,429,440 alleles (0.51%); highest among the groups gnomAD compares: Non-Finnish European, 0.66%; 28 homozygotes.

Submission:

CeGaT Center for Human Genetics Tuebingen
Classification: Likely benign. Last evaluated: 2024-02-01. Review status: criteria provided, single submitter. Criteria: CeGaT Center For Human Genetics Tuebingen Variant Classification Criteria Version 2. Collection method: clinical testing. Allele origin: germline. Affected: yes. Observed: 1 variant allele.
Comment: EXOSC10: BP4